The following is an entry in ClinVar:

ClinVar aggregate classification (germline): Pathogenic (1 of 4 stars; one submission).

Conditions:
Ataxia-telangiectasia syndrome (AT). Also called: LOUIS-BAR SYNDROME; Cerebello-oculocutaneous telangiectasia; Immunodeficiency with ataxia telangiectasia; AT, COMPLEMENTATION GROUP C; Ataxia-telangiectasia, complementation group D; ATAXIA-TELANGIECTASIA, COMPLEMENTATION GROUP A. Identifiers: Orphanet 100, MedGen C0004135, MONDO:0008840, OMIM 208900.

Submission:

Labcorp Genetics (formerly Invitae), Labcorp
Classification: Pathogenic for Ataxia-telangiectasia syndrome. Last evaluated: 2022-11-15. Review status: criteria provided, single submitter. Criteria: Invitae Variant Classification Sherloc (09022015). Collection method: clinical testing. Allele origin: unknown.
Comment: For these reasons, this variant has been classified as Pathogenic. This variant has not been reported in the literature in individuals affected with ATM-related conditions. This variant is a gross deletion of the genomic region encompassing exon(s) 17-59 of the ATM gene. This deletion is out-of-frame, and is expected to create a premature termination codon and result in an absent or disrupted protein product. Loss-of-function variants in ATM are known to be pathogenic (PMID: 23807571, 25614872).

Literature cited by the submitters: PubMed 23807571; PubMed 25614872.

NC_000011.9:g.(?_108137888)_(108218102_?)del

Gene: ATM (ATM serine/threonine kinase; plus strand). Cytogenetic location: 11q22.3.
Variant type: Deletion.
Identifiers: ClinVar variation 3244462 (VCV003244462.1).